The following is an entry in ClinVar:

NM_012179.4(FBXO7):c.693C>T (p.Ser231=)

Gene: FBXO7 (F-box protein 7; plus strand). Cytogenetic location: 22q12.3.
Variant type: single nucleotide variant.
Coding change: c.693C>T on transcript NM_012179.4 (MANE Select); coding-DNA position 693, C replaced by T.
Protein change: p.Ser231=; no amino-acid change (serine 231 retained).
Molecular consequence: synonymous variant.
Genome position (GRCh38, 1-based): chr22:32,485,115, C>T. VCF-style: chr22-32485115-C-T. GRCh37 (hg19) VCF-style: chr22-32881102-C-T.
Other names: p.Ser231=; c.456C>T, p.Ser152= (NM_001033024.2); c.351C>T, p.Ser117= (NM_001257990.2).
Identifiers: ClinVar variation 341312 (VCV000341312.64), dbSNP rs61752254, ClinGen allele CA10201498.
Genomic context (GRCh38, chr22:32,485,115, plus strand): 5'-TTTCGTTCCCCAGGGCACCGAAGCCAAAGCACTGTCCATGCCGGAGAAGTGGAAGTTGAG[C>T]GGGGTGTATAAGCTGCAGTACATGCATCCTCTCTGCGAGGGCAGCTCCGCTACTCTCACC-3'
Protein context (NP_036311.3, residues 221-241): ALSMPEKWKL[Ser231=]GVYKLQYMHP

ClinVar aggregate classification (germline): Conflicting classifications of pathogenicity. Review status: criteria provided, conflicting classifications (1 of 4 stars). 10 submissions from 10 submitters: Uncertain significance (1); Benign (2); Likely benign (4). 3 of the submissions do not count toward it. Last evaluated 2026-09-01.

Conditions:
FBXO7-related disorder. Also called: FBXO7-related condition.
Parkinsonian-pyramidal syndrome. Also called: PARKINSON DISEASE 15, AUTOSOMAL RECESSIVE EARLY-ONSET; PARKINSON DISEASE 15, AUTOSOMAL RECESSIVE; PALLIDOPYRAMIDAL SYNDROME. Identifiers: Orphanet 171695, MedGen C1850100, MONDO:0009830, OMIM 260300.

Allele frequency attached by ClinVar (database versions not stated): 1000 Genomes Project 30x 0.00172; 1000 Genomes Project 0.00180; TOPMed 0.00281; gnomAD 0.00282 and 0.00283; gnomAD exomes 0.00285 and 0.00462; ExAC 0.00297; ESP Exome Variant Server 0.00408.
gnomAD v4.1: 7,121 of 1,614,128 alleles (0.44%); highest among the groups gnomAD compares: Non-Finnish European, 0.55%; 13 homozygotes.

Submissions (10):

CeGaT Center for Human Genetics Tuebingen
Classification: Likely benign. Last evaluated: 2026-09-01. Review status: criteria provided, single submitter. Criteria: CeGaT Center For Human Genetics Tuebingen Variant Classification Criteria Version 2. Collection method: clinical testing. Allele origin: germline. Affected: yes. Observed: 26 variant alleles.
Comment: FBXO7: BP4, BP7, BS2

Labcorp Genetics (formerly Invitae), Labcorp
Classification: Benign for Parkinsonian-pyramidal syndrome. Last evaluated: 2026-01-31. Review status: criteria provided, single submitter. Criteria: Invitae Variant Classification Sherloc (09022015). Collection method: clinical testing. Allele origin: germline.

Blueprint Genetics
Classification: Likely benign. Last evaluated: 2024-11-26. Review status: criteria provided, single submitter. Criteria: ACMG Guidelines, 2015. Collection method: clinical testing. Allele origin: germline.

Mayo Clinic Laboratories, Mayo Clinic
Classification: Benign. Last evaluated: 2024-07-16. Review status: criteria provided, single submitter. Criteria: ACMG Guidelines, 2015. Collection method: clinical testing. Allele origin: germline. Observed: 5 variant alleles.
Comment: BS1, BS2, BP4, BP7

Illumina Laboratory Services, Illumina
Classification: Uncertain significance for Parkinsonian-pyramidal syndrome. Last evaluated: 2018-01-12. Review status: criteria provided, single submitter. Criteria: ICSL Variant Classification Criteria 13 December 2019. Collection method: clinical testing. Allele origin: germline.

Clinical Genetics DNA and cytogenetics Diagnostics Lab, Erasmus MC, Erasmus Medical Center
Classification: Likely benign for Parkinsonian-pyramidal syndrome. Last evaluated: 2017-06-28. Review status: criteria provided, single submitter. Criteria: ACGS Guidelines, 2013. Collection method: clinical testing. Allele origin: germline. Affected: yes. Study: VKGL Data-share Consensus.

Eurofins Ntd Llc (ga)
Classification: Likely benign. Last evaluated: 2017-04-18. Review status: criteria provided, single submitter. Criteria: EGL Classification Definitions 2015. Collection method: clinical testing. Allele origin: germline. Observed: 1 variant allele, 1 heterozygote.

PreventionGenetics, part of Exact Sciences
Classification: Likely benign for FBXO7-related condition. Last evaluated: 2020-02-20. Review status: no assertion criteria provided. Collection method: clinical testing. Allele origin: germline. Not counted in ClinVar's aggregate classification.
Comment: This variant is classified as likely benign based on ACMG/AMP sequence variant interpretation guidelines (Richards et al. 2015 PMID: 25741868, with internal and published modifications).

Diagnostic Laboratory, Department of Genetics, University Medical Center Groningen
Classification: Likely benign for Parkinsonian-pyramidal syndrome. Review status: no assertion criteria provided. Collection method: clinical testing. Allele origin: germline. Affected: yes. Study: VKGL Data-share Consensus. Not counted in ClinVar's aggregate classification.

Genome Diagnostics Laboratory, Amsterdam University Medical Center
Classification: Likely benign. Review status: no assertion criteria provided. Collection method: clinical testing. Allele origin: germline. Affected: yes. Study: VKGL Data-share Consensus. Not counted in ClinVar's aggregate classification.